The following is an entry in ClinVar:

NM_000059.4(BRCA2):c.4987G>T (p.Val1663Phe)

Gene: BRCA2 (BRCA2 DNA repair associated; plus strand). Cytogenetic location: 13q13.1.
Variant type: single nucleotide variant.
Coding change: c.4987G>T on transcript NM_000059.4 (MANE Select); coding-DNA position 4987, G replaced by T.
Protein change: p.Val1663Phe; replaces valine 1663 with phenylalanine.
Molecular consequence: missense variant. On other transcripts: non-coding transcript variant (1), intron variant (2).
Genome position (GRCh38, 1-based): chr13:32,339,342, G>T. VCF-style: chr13-32339342-G-T. GRCh37 (hg19) VCF-style: chr13-32913479-G-T.
Other names: c.4987G>T, p.Val1663Phe (NM_001406719.1, NM_001406720.1, NM_001432077.1); c.1910-5216G>T (NM_001406721.1); c.425-5216G>T (NM_001406722.1); short protein forms V1663F.
Identifiers: ClinVar variation 5033259 (VCV005033259.1).
Genomic context (GRCh38, chr13:32,339,342, plus strand): 5'-GTAGAAAAAGAAACAGCAAAAAGTCCTGCAACTTGTTACACAAATCAGTCCCCTTATTCA[G>T]TCATTGAAAATTCAGCCTTAGCTTTTTACACAAGTTGTAGTAGAAAAACTTCTGTGAGTC-3'
Protein context (NP_000050.3, residues 1653-1673): TCYTNQSPYS[Val1663Phe]IENSALAFYT

ClinVar aggregate classification (germline): Uncertain significance (1 of 4 stars; one submission).

Conditions:
Hereditary cancer-predisposing syndrome. Also called: Neoplastic Syndromes, Hereditary; Tumor predisposition; Hereditary neoplastic syndrome; Hereditary Cancer Syndrome. Identifiers: Orphanet 140162, MedGen C0027672, MeSH D009386, MONDO:0015356.

Submission:

Ambry Genetics
Classification: Uncertain significance for Hereditary cancer-predisposing syndrome. Last evaluated: 2026-07-02. Review status: criteria provided, single submitter. Criteria: Ambry Variant Classification Scheme 2023. Collection method: clinical testing. Allele origin: germline.
Comment: The p.V1663F variant (also known as c.4987G>T), located in coding exon 10 of the BRCA2 gene, results from a G to T substitution at nucleotide position 4987. The valine at codon 1663 is replaced by phenylalanine, an amino acid with highly similar properties. This amino acid position is conserved. In addition, this alteration is predicted to be tolerated by in silico analysis. Based on the available evidence, the clinical significance of this variant remains unclear.